The following is an entry in ClinVar:

NM_001261826.3(AP3D1):c.2220C>T (p.Asp740=)

Gene: AP3D1 (adaptor related protein complex 3 subunit delta 1; minus strand). Cytogenetic location: 19p13.3.
Variant type: single nucleotide variant.
Coding change: c.2220C>T on transcript NM_001261826.3 (MANE Select); coding-DNA position 2220, C replaced by T.
Protein change: p.Asp740=; no amino-acid change (aspartic acid 740 retained).
Molecular consequence: synonymous variant.
Genome position (GRCh38, 1-based): chr19:2,115,348, G>A on the plus strand (C>T on the coding strand, the complement: AP3D1 is on the minus strand). VCF-style: chr19-2115348-G-A. GRCh37 (hg19) VCF-style: chr19-2115347-G-A.
Other names: c.2220C>T, p.Asp740= (NM_001374799.1, NM_003938.8).
Identifiers: ClinVar variation 3025811 (VCV003025811.22), dbSNP rs1172883654, ClinGen allele CA504773713.

ClinVar aggregate classification (germline): Likely benign (1 of 4 stars; one submission).

Allele frequency attached by ClinVar (database versions not stated): TOPMed below 0.00001.
gnomAD v4.1: 8 of 1,609,010 alleles (0.0005%); highest among the groups gnomAD compares: Middle Eastern, 0.016%; no homozygotes.

Submission:

CeGaT Center for Human Genetics Tuebingen
Classification: Likely benign. Last evaluated: 2024-01-01. Review status: criteria provided, single submitter. Criteria: CeGaT Center For Human Genetics Tuebingen Variant Classification Criteria Version 2. Collection method: clinical testing. Allele origin: germline. Affected: yes. Observed: 1 variant allele.
Comment: AP3D1: BP4, BP7